The following is an entry in ClinVar:

ClinVar aggregate classification (germline): Uncertain significance (1 of 4 stars; one submission).

Submission:

Labcorp Genetics (formerly Invitae), Labcorp
Classification: Uncertain significance. Last evaluated: 2023-10-27. Review status: criteria provided, single submitter. Criteria: Invitae Variant Classification Sherloc (09022015). Collection method: clinical testing. Allele origin: germline.
Comment: This sequence change replaces asparagine, which is neutral and polar, with lysine, which is basic and polar, at codon 321 of the CENPJ protein (p.Asn321Lys). This variant is not present in population databases (gnomAD no frequency). This variant has not been reported in the literature in individuals affected with CENPJ-related conditions. Advanced modeling of protein sequence and biophysical properties (such as structural, functional, and spatial information, amino acid conservation, physicochemical variation, residue mobility, and thermodynamic stability) performed at Invitae indicates that this missense variant is expected to disrupt CENPJ protein function with a positive predictive value of 80%. In summary, the available evidence is currently insufficient to determine the role of this variant in disease. Therefore, it has been classified as a Variant of Uncertain Significance.

NM_018451.5(CPAP):c.963T>A (p.Asn321Lys)

Gene: CPAP (centrosome assembly and centriole elongation protein; minus strand). Cytogenetic location: 13q12.13.
Variant type: single nucleotide variant.
Coding change: c.963T>A on transcript NM_018451.5 (MANE Select); coding-DNA position 963, T replaced by A.
Protein change: p.Asn321Lys; replaces asparagine 321 with lysine.
Molecular consequence: missense variant. On other transcripts: non-coding transcript variant (2).
Genome position (GRCh38, 1-based): chr13:24,908,029, A>T on the plus strand (T>A on the coding strand, the complement: CPAP is on the minus strand). VCF-style: chr13-24908029-A-T. GRCh37 (hg19) VCF-style: chr13-25482167-A-T.
Other names: short protein forms N321K.
Identifiers: ClinVar variation 2771805 (VCV002771805.3), dbSNP rs2541703882, ClinGen allele CA387589300.